The following is an entry in ClinVar:

ClinVar aggregate classification (germline): Uncertain significance (1 of 4 stars; one submission).

Allele frequency attached by ClinVar (database versions not stated): TOPMed 0.00001.

Submission:

Labcorp Genetics (formerly Invitae), Labcorp
Classification: Uncertain significance. Last evaluated: 2023-11-01. Review status: criteria provided, single submitter. Criteria: Invitae Variant Classification Sherloc (09022015). Collection method: clinical testing. Allele origin: germline.
Comment: This sequence change replaces asparagine, which is neutral and polar, with serine, which is neutral and polar, at codon 1230 of the A2ML1 protein (p.Asn1230Ser). This variant is not present in population databases (gnomAD no frequency). This variant has not been reported in the literature in individuals affected with A2ML1-related conditions. ClinVar contains an entry for this variant (Variation ID: 1036800). Algorithms developed to predict the effect of missense changes on protein structure and function output the following: SIFT: "Not Available"; PolyPhen-2: "Probably Damaging"; Align-GVGD: "Not Available". The serine amino acid residue is found in multiple mammalian species, which suggests that this missense change does not adversely affect protein function. In summary, the available evidence is currently insufficient to determine the role of this variant in disease. Therefore, it has been classified as a Variant of Uncertain Significance.

NM_144670.6(A2ML1):c.3689A>G (p.Asn1230Ser)

Gene: A2ML1 (alpha-2-macroglobulin like 1; plus strand). Cytogenetic location: 12p13.31.
Variant type: single nucleotide variant.
Coding change: c.3689A>G on transcript NM_144670.6 (MANE Select); coding-DNA position 3689, A replaced by G.
Protein change: p.Asn1230Ser; replaces asparagine 1230 with serine.
Molecular consequence: missense variant.
Genome position (GRCh38, 1-based): chr12:8,863,980, A>G. VCF-style: chr12-8863980-A-G. GRCh37 (hg19) VCF-style: chr12-9016576-A-G.
Other names: c.2216A>G, p.Asn739Ser (NM_001282424.3); short protein forms N739S, N1230S.
Identifiers: ClinVar variation 1036800 (VCV001036800.8), dbSNP rs1416042421, ClinGen allele CA383842668.
Genomic context (GRCh38, chr12:8,863,980, plus strand): 5'-TGACTCAAAAGGAGATAGCGAAGGCCACTAGCATAGTGGCTTGGTTGGCCAAGCAACACA[A>G]TGCATATGGGGGCTTCTCTTCTACTCAGGTAAACAGCCTGTTCTCCCACTGCCACTTATC-3'
Protein context (NP_653271.3, residues 1220-1240): SIVAWLAKQH[Asn1230Ser]AYGGFSSTQD